The following is an entry in ClinVar:

NM_017514.5(PLXNA3):c.-5C>T

Gene: PLXNA3 (plexin A3; plus strand). Cytogenetic location: Xq28.
Variant type: single nucleotide variant.
Coding change: c.-5C>T on transcript NM_017514.5 (MANE Select); 5 bases upstream of the start codon, C replaced by T.
Molecular consequence: 5 prime UTR variant.
Genome position (GRCh38, 1-based): chrX:154,460,179, C>T. VCF-style: chrX-154460179-C-T. GRCh37 (hg19) VCF-style: chrX-153688519-C-T.
Identifiers: ClinVar variation 3055450 (VCV003055450.2), dbSNP rs782264572, ClinGen allele CA10563559.
Genomic context (GRCh38, chrX:154,460,179, plus strand): 5'-CTCGAGGCCTCTGACTCCCACACACCGTCTCTCCCTAGGCCTGTCCCCAGGCGCGGCTGC[C>T]GGCCATGCCCTCTGTCTGCCTCCTCCTGCTGCTCTTCCTTGCCGTGGGGGGGGCCCTGGG-3'

ClinVar aggregate classification (germline): Likely benign (0 of 4 stars; one submission).

Conditions:
PLXNA3-related disorder. Also called: PLXNA3-related condition.

Allele frequency attached by ClinVar (database versions not stated): 1000 Genomes Project 30x 0.00021; TOPMed 0.00025; 1000 Genomes Project 0.00026; gnomAD 0.00032; ExAC 0.00091.
gnomAD v4.1: 542 of 1,182,555 alleles (0.046%); highest among the groups gnomAD compares: East Asian, 0.23%; 1 homozygote.

Submission:

PreventionGenetics, part of Exact Sciences
Classification: Likely benign for PLXNA3-related condition. Last evaluated: 2022-04-06. Review status: no assertion criteria provided. Collection method: clinical testing. Allele origin: germline.
Comment: This variant is classified as likely benign based on ACMG/AMP sequence variant interpretation guidelines (Richards et al. 2015 PMID: 25741868, with internal and published modifications).